The following is an entry in ClinVar:

NM_000198.4(HSD3B2):c.960A>C (p.Thr320=)

Gene: HSD3B2 (hydroxy-delta-5-steroid dehydrogenase, 3 beta- and steroid delta-isomerase 2; plus strand). Cytogenetic location: 1p12.
Variant type: single nucleotide variant.
Coding change: c.960A>C on transcript NM_000198.4 (MANE Select); coding-DNA position 960, A replaced by C.
Protein change: p.Thr320=; no amino-acid change (threonine 320 retained).
Molecular consequence: synonymous variant.
Genome position (GRCh38, 1-based): chr1:119,422,461, A>C. VCF-style: chr1-119422461-A-C. GRCh37 (hg19) VCF-style: chr1-119965084-A-C.
Other names: c.960A>C, p.Thr320= (NM_001166120.2).
Identifiers: ClinVar variation 726142 (VCV000726142.39), dbSNP rs34412477, ClinGen allele CA1036069.
Genomic context (GRCh38, chr1:119,422,461, plus strand): 5'-GAGCTTCCTACTCAGCCCAATTTACTCCTATCAACCCCCCTTCAACCGCCACACAGTCAC[A>C]TTATCAAATAGTGTGTTCACCTTCTCTTACAAGAAGGCTCAGCGAGATCTGGCGTATAAG-3'
Protein context (NP_000189.1, residues 310-330): YQPPFNRHTV[Thr320=]LSNSVFTFSY

ClinVar aggregate classification (germline): Conflicting classifications of pathogenicity. Review status: criteria provided, conflicting classifications (1 of 4 stars). 7 submissions from 7 submitters: Uncertain significance (1); Likely benign (4). 2 of the submissions do not count toward it. Last evaluated 2026-01-31.

Conditions:
3 beta-Hydroxysteroid dehydrogenase deficiency. Also called: 3b-hydroxysteroid dehydrogenase deficiency; Congenital adrenal hyperplasia due to 3-beta-hydroxysteroid dehydrogenase deficiency; 3-BETA-HSD DEFICIENCY; ADRENAL HYPERPLASIA II; ADRENAL HYPERPLASIA, CONGENITAL, DUE TO 3-BETA-HYDROXYSTEROID DEHYDROGENASE 2 DEFICIENCY. Identifiers: Orphanet 90791, MedGen C0342471, MeSH C538236, MONDO:0008727, OMIM 201810. Disease mechanism: loss of function.
HSD3B2-related disorder. Also called: HSD3B2-related condition.

Allele frequency attached by ClinVar (database versions not stated): TOPMed 0.00040; gnomAD 0.00043 and 0.00047; ESP Exome Variant Server 0.00046; gnomAD exomes 0.00050 and 0.00057; ExAC 0.00056.
gnomAD v4.1: 799 of 1,614,042 alleles (0.05%); highest among the groups gnomAD compares: Non-Finnish European, 0.056%; 1 homozygote.

Submissions (7):

Labcorp Genetics (formerly Invitae), Labcorp
Classification: Likely benign. Last evaluated: 2026-01-31. Review status: criteria provided, single submitter. Criteria: Invitae Variant Classification Sherloc (09022015). Collection method: clinical testing. Allele origin: germline.

Women's Health and Genetics/Laboratory Corporation of America, LabCorp
Classification: Likely benign. Last evaluated: 2024-12-10. Review status: criteria provided, single submitter. Criteria: LabCorp Variant Classification Summary - May 2015. Collection method: clinical testing. Allele origin: germline.
Comment: Variant summary: HSD3B2 c.960A>C results in a synonymous change. Consensus agreement among computation tools predict no significant impact on normal splicing (TrAP). However, these predictions have yet to be confirmed by functional studies. The variant allele was found at a frequency of 0.00057 in 251252 control chromosomes. This frequency is not significantly higher than estimated for a pathogenic variant in HSD3B2 causing Congenital Adrenal Hyperplasia (0.00057 vs 0.0013), allowing no conclusion about variant significance. To our knowledge, no occurrence of c.960A>C in individuals affected with Congenital Adrenal Hyperplasia and no experimental evidence demonstrating its impact on protein function have been reported. ClinVar contains an entry for this variant (Variation ID: 726142). Based on the evidence outlined above, the variant was classified as likely benign.

Blueprint Genetics
Classification: Likely benign. Last evaluated: 2024-11-07. Review status: criteria provided, single submitter. Criteria: ACMG Guidelines, 2015. Collection method: clinical testing. Allele origin: germline.

CeGaT Center for Human Genetics Tuebingen
Classification: Likely benign. Last evaluated: 2024-04-01. Review status: criteria provided, single submitter. Criteria: CeGaT Center For Human Genetics Tuebingen Variant Classification Criteria Version 2. Collection method: clinical testing. Allele origin: germline. Affected: yes. Observed: 1 variant allele.
Comment: HSD3B2: BP4, BP7

Illumina Laboratory Services, Illumina
Classification: Uncertain significance for 3 beta-Hydroxysteroid dehydrogenase deficiency. Last evaluated: 2017-04-27. Review status: criteria provided, single submitter. Criteria: ICSL Variant Classification Criteria 13 December 2019. Collection method: clinical testing. Allele origin: germline.

Natera, Inc.
Classification: Likely benign for 3 beta hydroxysteroid dehydrogenase deficiency. Last evaluated: 2020-09-16. Review status: no assertion criteria provided. Collection method: clinical testing. Allele origin: germline. Not counted in ClinVar's aggregate classification.

PreventionGenetics, part of Exact Sciences
Classification: Likely benign for HSD3B2-related condition. Last evaluated: 2019-11-01. Review status: no assertion criteria provided. Collection method: clinical testing. Allele origin: germline. Not counted in ClinVar's aggregate classification.
Comment: This variant is classified as likely benign based on ACMG/AMP sequence variant interpretation guidelines (Richards et al. 2015 PMID: 25741868, with internal and published modifications).